The following is an entry in ClinVar:

NM_024700.4(SNIP1):c.428A>G (p.His143Arg)

Genes: SNIP1 (Smad nuclear interacting protein 1; minus strand), LOC126805704 (BRD4-independent group 4 enhancer GRCh37_chr1:38005292-38006491; plus strand). Cytogenetic location: 1p34.3.
Variant type: single nucleotide variant.
Coding change: c.428A>G on transcript NM_024700.4 (MANE Select); coding-DNA position 428, A replaced by G.
Protein change: p.His143Arg; replaces histidine 143 with arginine.
Molecular consequence: missense variant.
Genome position (GRCh38, 1-based): chr1:37,540,655, T>C on the plus strand (A>G on the coding strand, the complement: SNIP1 is on the minus strand). VCF-style: chr1-37540655-T-C. GRCh37 (hg19) VCF-style: chr1-38006256-T-C.
Other names: c.428A>G (NM_024700.2); short protein forms H143R.
Identifiers: ClinVar variation 1380565 (VCV001380565.9), dbSNP rs540812532, ClinGen allele CA771333.
Genomic context (GRCh38, chr1:37,540,655, plus strand): 5'-TGACCCTGCCCACTCCCAGGCCTCTCGTTAGACGTTCTCCTTTGGTGGGAATGGCCCCGG[T>C]GTCTGTCCCGGTCACTGTTCCTAGCTCTCCTGTGTTCCTGTTCTGATGGTTCCCTGTGCT-3'
Protein context (NP_078976.2, residues 133-153): RRARNSDRDR[His143Arg]RGHSHQRRTS

ClinVar aggregate classification (germline): Uncertain significance. Review status: criteria provided, multiple submitters, no conflicts (2 of 4 stars). 2 submissions from 2 submitters: Uncertain significance (2). Last evaluated 2025-07-02.

Allele frequency attached by ClinVar (database versions not stated): TOPMed below 0.00001; ExAC 0.00001; gnomAD 0.00001; gnomAD exomes 0.00003; 1000 Genomes Project 0.00020; 1000 Genomes Project 30x 0.00031.
gnomAD v4.1: 8 of 1,614,104 alleles (0.0005%); highest among the groups gnomAD compares: Admixed American, 0.0067%; no homozygotes.

Submissions (2):

Ambry Genetics
Classification: Uncertain significance. Last evaluated: 2025-07-02. Review status: criteria provided, single submitter. Criteria: Ambry Variant Classification Scheme 2023. Collection method: clinical testing. Allele origin: germline.

Labcorp Genetics (formerly Invitae), Labcorp
Classification: Uncertain significance. Last evaluated: 2022-01-14. Review status: criteria provided, single submitter. Criteria: Invitae Variant Classification Sherloc (09022015). Collection method: clinical testing. Allele origin: germline.
Comment: In summary, the available evidence is currently insufficient to determine the role of this variant in disease. Therefore, it has been classified as a Variant of Uncertain Significance. Algorithms developed to predict the effect of missense changes on protein structure and function output the following: SIFT: "Tolerated"; PolyPhen-2: "Benign"; Align-GVGD: "Class C0". The arginine amino acid residue is found in multiple mammalian species, which suggests that this missense change does not adversely affect protein function. This variant has not been reported in the literature in individuals affected with SNIP1-related conditions. This variant is present in population databases (rs540812532, gnomAD 0.01%). This sequence change replaces histidine, which is basic and polar, with arginine, which is basic and polar, at codon 143 of the SNIP1 protein (p.His143Arg).